The following is an entry in ClinVar:

ClinVar aggregate classification (germline): Pathogenic (1 of 4 stars; one submission).

Conditions:
Supravalvar aortic stenosis (SVAS). Also called: Supravalvar aortic stenosis, Eisenberg type. Identifiers: Orphanet 3193, MedGen C0003499, MONDO:0008504, OMIM 185500, HP:0004381.

Submission:

Laboratory for Molecular Medicine, Mass General Brigham Personalized Medicine
Classification: Pathogenic for Supravalvar aortic stenosis. Last evaluated: 2016-04-06. Review status: criteria provided, single submitter. Criteria: ACMG Guidelines, 2015. Collection method: clinical testing. Allele origin: germline. Inheritance: Autosomal dominant inheritance.
Comment: The p.Gly653X variant in ELN has not been previously reported and was absent from large population studies. This nonsense variant leads to a premature termination codon at position 653, which is predicted to lead to a truncated or absent protein. Heterozygous loss of function of the ELN gene is an established disease mechanism in SVAS. In summary, the p.Gly653X variant meets our criteria to be classified as pathogenic for SVAS in an autosomal dominant manner based upon its predicted functional impact.

NM_000501.4(ELN):c.1957G>T (p.Gly653Ter)

Gene: ELN (elastin; plus strand). Cytogenetic location: 7q11.23.
Variant type: single nucleotide variant.
Coding change: c.1957G>T on transcript NM_000501.4 (MANE Select); coding-DNA position 1957, G replaced by T.
Protein change: p.Gly653Ter; replaces glycine 653 with a stop codon.
Molecular consequence: nonsense.
Genome position (GRCh38, 1-based): chr7:74,063,659, G>T. VCF-style: chr7-74063659-G-T. GRCh37 (hg19) VCF-style: chr7-73477989-G-T.
Other names: c.1870G>T, p.Gly624Ter (NM_001081752.3); c.1915G>T, p.Gly639Ter (NM_001081753.3); c.1972G>T, p.Gly658Ter (NM_001081754.3); c.1900G>T, p.Gly634Ter (NM_001081755.3); c.1957G>T, p.Gly653Ter (NM_001278912.2); c.1714G>T, p.Gly572Ter (NM_001278913.2); c.1885G>T, p.Gly629Ter (NM_001278914.2); c.1975G>T, p.Gly659Ter (NM_001278915.2); and 4 more; short protein forms G643*, G653*, G658*, G659*, G715*, G564*, G572*, G605*.
Identifiers: ClinVar variation 3076023 (VCV003076023.1), dbSNP rs782707801, ClinGen allele CA367890559.